The following is an entry in ClinVar:

NM_001253697.2(ERBIN):c.889G>A (p.Gly297Arg)

Gene: ERBIN (erbb2 interacting protein; plus strand). Cytogenetic location: 5q12.3.
Variant type: single nucleotide variant.
Coding change: c.889G>A on transcript NM_001253697.2 (MANE Select); coding-DNA position 889, G replaced by A.
Protein change: p.Gly297Arg; replaces glycine 297 with arginine.
Molecular consequence: missense variant.
Genome position (GRCh38, 1-based): chr5:66,025,551, G>A. VCF-style: chr5-66025551-G-A. GRCh37 (hg19) VCF-style: chr5-65321379-G-A.
Other names: c.889G>A, p.Gly297Arg (NM_001006600.3, NM_001253698.2, NM_001253699.2 and 2 more transcripts); short protein forms G297R.
Identifiers: ClinVar variation 2144891 (VCV002144891.4), dbSNP rs762273947, ClinGen allele CA3286075.
Genomic context (GRCh38, chr5:66,025,551, plus strand): 5'-AATATAACAACGCTTAAAATAGATGAAAACCAGTTAATGTATCTGCCAGACTCTATAGGA[G>A]GGTAAGTTTTTTGTGAATGTATACACCCTCGAAGATTTTACTTTCAGTTCAGCATGCCAT-3'
Protein context (NP_001240626.1, residues 287-307): QLMYLPDSIG[Gly297Arg]LISVEELDCS

ClinVar aggregate classification (germline): Uncertain significance (1 of 4 stars; one submission).

Allele frequency attached by ClinVar (database versions not stated): TOPMed below 0.00001; gnomAD 0.00001; gnomAD exomes 0.00003; ExAC 0.00007.
gnomAD v4.1: 37 of 1,610,018 alleles (0.0023%); highest among the groups gnomAD compares: South Asian, 0.041%; 2 homozygotes.

Submission:

Labcorp Genetics (formerly Invitae), Labcorp
Classification: Uncertain significance. Last evaluated: 2024-05-07. Review status: criteria provided, single submitter. Criteria: Invitae Variant Classification Sherloc (09022015). Collection method: clinical testing. Allele origin: germline.
Comment: This sequence change replaces glycine, which is neutral and non-polar, with arginine, which is basic and polar, at codon 297 of the ERBIN protein (p.Gly297Arg). This variant is present in population databases (rs762273947, gnomAD 0.04%). This variant has not been reported in the literature in individuals affected with ERBIN-related conditions. ClinVar contains an entry for this variant (Variation ID: 2144891). An algorithm developed to predict the effect of missense changes on protein structure and function (PolyPhen-2) suggests that this variant is likely to be disruptive. In summary, the available evidence is currently insufficient to determine the role of this variant in disease. Therefore, it has been classified as a Variant of Uncertain Significance.